The following is an entry in ClinVar:

ClinVar aggregate classification (germline): Likely pathogenic (1 of 4 stars; one submission).

Conditions:
Hematuria. Identifiers: MedGen C0018965, HP:0000790.

Submission:

Genetics Laboratory, Great Ormond Street Hospital NHS Foundation Trust, North Thames Genomic Laboratory Hub
Classification: Likely pathogenic for Haematuria. Last evaluated: 2026-09-23. Review status: criteria provided, single submitter. Criteria: ACGS Best Practice Guidelines for Variant Classification in Rare Disease 2024 v1.2. Collection method: clinical testing. Allele origin: germline. Affected: yes.
Comment: PM2_moderate, PP3_supporting, PM5_supporting, PM1_strong

NM_000091.5(COL4A3):c.1363G>C (p.Gly455Arg)

Genes: COL4A3 (collagen type IV alpha 3 chain; plus strand), MFF-DT (MFF divergent transcript; minus strand). Cytogenetic location: 2q36.3.
Variant type: single nucleotide variant.
Coding change: c.1363G>C on transcript NM_000091.5 (MANE Select); coding-DNA position 1363, G replaced by C.
Protein change: p.Gly455Arg; replaces glycine 455 with arginine.
Molecular consequence: missense variant.
Genome position (GRCh38, 1-based): chr2:227,266,464, G>C. VCF-style: chr2-227266464-G-C. GRCh37 (hg19) VCF-style: chr2-228131180-G-C.
Other names: short protein forms G455R.
Identifiers: ClinVar variation 5043412 (VCV005043412.1).